The following is an entry in ClinVar:

ClinVar aggregate classification (germline): Uncertain significance (1 of 4 stars; one submission).

Submission:

Labcorp Genetics (formerly Invitae), Labcorp
Classification: Uncertain significance. Last evaluated: 2023-10-29. Review status: criteria provided, single submitter. Criteria: Invitae Variant Classification Sherloc (09022015). Collection method: clinical testing. Allele origin: germline.
Comment: This variant, c.38_39insGCTGCTGCTGCT, results in the insertion of 4 amino acid(s) of the TGFB1 protein (p.Leu13_Pro14insLeuLeuLeuLeu), but otherwise preserves the integrity of the reading frame. This variant is not present in population databases (gnomAD no frequency). This variant has been observed in individual(s) with Camurati-Engelmann disease (Invitae). Experimental studies and prediction algorithms are not available or were not evaluated, and the functional significance of this variant is currently unknown. In summary, the available evidence is currently insufficient to determine the role of this variant in disease. Therefore, it has been classified as a Variant of Uncertain Significance.

NM_000660.7(TGFB1):c.30GCT[7] (p.Leu13_Pro14insLeuLeuLeuLeu)

Gene: TGFB1 (transforming growth factor beta 1; minus strand). Cytogenetic location: 19q13.2.
Variant type: Microsatellite.
Coding change: c.30GCT[7] on transcript NM_000660.7 (MANE Select); seven copies in a row of the 3-base unit GCT starting at c.30.
Protein change: p.Leu13_Pro14insLeuLeuLeuLeu.
Molecular consequence: inframe insertion.
Genome position: GRCh38 VCF-style: chr19-41353006-T-TAGCAGCAGCAGC. GRCh37 (hg19) VCF-style: chr19-41858911-T-TAGCAGCAGCAGC.
Identifiers: ClinVar variation 2772800 (VCV002772800.3), dbSNP rs281865483, ClinGen allele CA2697556602.
Genomic context (GRCh38, chr19:41,353,006, plus strand): 5'-GCAGGTGGATAGTCCCGCGGCCGGCCGGCCAGGCGTCAGCACCAGTAGCCACAGCAGCGG[T>TAGCAGCAGCAGC]AGCAGCAGCGGCAGCAGCCGCAGCCCGGAGGGCGGCATGGGGGAGGCGGCGCCCCCCGGC-3'